The following is an entry in ClinVar:

ClinVar aggregate classification (germline): Uncertain significance (1 of 4 stars; one submission).

Conditions:
Congenital hyperammonemia, type I. Also called: Carbamoyl phosphate synthetase I deficiency disease; CPS I DEFICIENCY; Carbamoyl phosphate synthetase 1 deficiency; Hyperammonemia due to carbamoyl phosphate synthetase 1 deficiency; CPS 1 deficiency; Carbamyl phosphate synthetase (CPS) deficiency. Identifiers: Orphanet 147, MedGen C4082171, MONDO:0009376, OMIM 237300.

Allele frequency attached by ClinVar (database versions not stated): gnomAD 0.00001.
gnomAD v4.1: 1 of 1,612,132 alleles (0.000062%); highest among the groups gnomAD compares: East Asian, 0.0022%; no homozygotes.

Submission:

Labcorp Genetics (formerly Invitae), Labcorp
Classification: Uncertain significance for Congenital hyperammonemia, type I. Last evaluated: 2023-03-13. Review status: criteria provided, single submitter. Criteria: Invitae Variant Classification Sherloc (09022015). Collection method: clinical testing. Allele origin: germline.
Comment: Advanced modeling of protein sequence and biophysical properties (such as structural, functional, and spatial information, amino acid conservation, physicochemical variation, residue mobility, and thermodynamic stability) has been performed at Invitae for this missense variant, however the output from this modeling did not meet the statistical confidence thresholds required to predict the impact of this variant on CPS1 protein function. This variant has not been reported in the literature in individuals affected with CPS1-related conditions. This variant is present in population databases (no rsID available, gnomAD 0.06%). This sequence change replaces glutamine, which is neutral and polar, with lysine, which is basic and polar, at codon 318 of the CPS1 protein (p.Gln318Lys). In summary, the available evidence is currently insufficient to determine the role of this variant in disease. Therefore, it has been classified as a Variant of Uncertain Significance.

NM_001875.5(CPS1):c.952C>A (p.Gln318Lys)

Gene: CPS1 (carbamoyl-phosphate synthase 1; plus strand). Cytogenetic location: 2q34.
Variant type: single nucleotide variant.
Coding change: c.952C>A on transcript NM_001875.5 (MANE Select); coding-DNA position 952, C replaced by A.
Protein change: p.Gln318Lys; replaces glutamine 318 with lysine.
Molecular consequence: missense variant. On other transcripts: non-coding transcript variant (1).
Genome position (GRCh38, 1-based): chr2:210,591,835, C>A. VCF-style: chr2-210591835-C-A. GRCh37 (hg19) VCF-style: chr2-211456559-C-A.
Other names: c.952C>A, p.Gln318Lys (NM_001122633.3, NM_001369257.1); c.985C>A, p.Gln329Lys (NM_001369256.1); short protein forms Q329K, Q318K.
Identifiers: ClinVar variation 3019028 (VCV003019028.3), dbSNP rs1335664604, ClinGen allele CA350430395.
Genomic context (GRCh38, chr2:210,591,835, plus strand): 5'-TATATTATTCTCTTCACTTTTCCTTTTCCCTATTCTTTTTCTCCTTTTCTCTCCAGAGGG[C>A]AGAATCAGCCTGTTTTGAATATCACAAACAAACAGGCTTTCATTACTGCTCAGAATCATG-3'
Protein context (NP_001866.2, residues 308-328): TYKMSMANRG[Gln318Lys]NQPVLNITNK